The following is an entry in ClinVar:

NM_001035.3(RYR2):c.4841G>A (p.Arg1614His)

Gene: RYR2 (ryanodine receptor 2; plus strand). Cytogenetic location: 1q43.
Variant type: single nucleotide variant.
Coding change: c.4841G>A on transcript NM_001035.3 (MANE Select); coding-DNA position 4841, G replaced by A.
Protein change: p.Arg1614His; replaces arginine 1614 with histidine.
Molecular consequence: missense variant.
Genome position (GRCh38, 1-based): chr1:237,610,919, G>A. VCF-style: chr1-237610919-G-A. GRCh37 (hg19) VCF-style: chr1-237774219-G-A.
Other names: p.Arg1614His; c.4841G>A, p.Arg1614His (LRG_402t1); short protein forms R1614H.
Identifiers: ClinVar variation 645499 (VCV000645499.18), dbSNP rs746943081, ClinGen allele CA086749.

ClinVar aggregate classification (germline): Uncertain significance. Review status: criteria provided, multiple submitters, no conflicts (2 of 4 stars). 6 submissions from 6 submitters: Uncertain significance (6). Last evaluated 2025-11-27.

Conditions:
Catecholaminergic polymorphic ventricular tachycardia (CVPT). Also called: Catecholamine-induced polymorphic ventricular tachycardia. Identifiers: Orphanet 3286, MedGen C5574922, MONDO:0017990.
Catecholaminergic polymorphic ventricular tachycardia 1. Also called: RYR2-Related Catecholaminergic Polymorphic Ventricular Tachycardia; VENTRICULAR TACHYCARDIA, STRESS-INDUCED POLYMORPHIC 1; VENTRICULAR TACHYCARDIA, CATECHOLAMINERGIC POLYMORPHIC, 1, WITH OR WITHOUT ATRIAL DYSFUNCTION AND/OR DILATED CARDIOMYOPATHY. Identifiers: Orphanet 3286, MedGen C1631597, MONDO:0011484, OMIM 604772.
Cardiomyopathy (CMYO). Also called: Cardiomyopathies. Identifiers: Orphanet 167848, MedGen C0878544, MONDO:0004994, HP:0001638. Inheritance: Various modes of inheritance.

Allele frequency attached by ClinVar (database versions not stated): gnomAD 0.00001; ExAC 0.00002; gnomAD exomes 0.00002; TOPMed 0.00003.
gnomAD v4.1: 33 of 1,613,300 alleles (0.002%); highest among the groups gnomAD compares: Middle Eastern, 0.016%; no homozygotes.

Submissions (6):

Mayo Clinic Laboratories, Mayo Clinic
Classification: Uncertain significance. Last evaluated: 2025-11-27. Review status: criteria provided, single submitter. Criteria: ACMG Guidelines, 2015. Collection method: clinical testing. Allele origin: germline. Observed: 1 variant allele.
Comment: PP3_moderate

Color Diagnostics, LLC DBA Color Health
Classification: Uncertain significance for Cardiomyopathy. Last evaluated: 2025-08-04. Review status: criteria provided, single submitter. Criteria: ACMG Guidelines, 2015. Collection method: clinical testing. Allele origin: germline.
Comment: This variant results in the replacement of arginine with histidine at codon 1614 in the RYR2 protein. Computational prediction suggests that this variant may have deleterious impact on protein structure and function. To our knowledge, functional studies have not been reported for this variant. This variant has not been reported in individuals affected with RYR2-related disorders in the literature. This variant has been identified in 5/248302 chromosomes in the general population by the Genome Aggregation Database (gnomAD). The available evidence is insufficient to determine the role of this variant in disease conclusively. Therefore, this variant is classified as a Variant of Uncertain Significance.

GeneDx
Classification: Uncertain significance. Last evaluated: 2025-03-05. Review status: criteria provided, single submitter. Criteria: GeneDx Variant Classification Process June 2021. Collection method: clinical testing. Allele origin: germline. Affected: yes.
Comment: Not observed at significant frequency in large population cohorts (gnomAD); In silico analysis supports that this missense variant has a deleterious effect on protein structure/function; Has not been previously published as pathogenic or benign to our knowledge; Not located in one of the three hot-spot regions of the RYR2 gene, where the majority of pathogenic missense variants occur (PMID: 19926015); This variant is associated with the following publications: (PMID: 19926015)

Women's Health and Genetics/Laboratory Corporation of America, LabCorp
Classification: Uncertain significance. Last evaluated: 2024-03-11. Review status: criteria provided, single submitter. Criteria: LabCorp Variant Classification Summary - May 2015. Collection method: clinical testing. Allele origin: germline.

All of Us Research Program, National Institutes of Health
Classification: Uncertain significance for Catecholaminergic polymorphic ventricular tachycardia. Last evaluated: 2023-12-01. Review status: criteria provided, single submitter. Criteria: ACMG Guidelines, 2015. Collection method: clinical testing. Allele origin: germline. Inheritance: Autosomal dominant inheritance. Observed: 5 variant alleles, 5 heterozygotes.
Comment: This missense variant replaces arginine with histidine at codon 1614 of the RYR2 protein. Computational prediction suggests that this variant may have deleterious impact on protein structure and function (internally defined REVEL score threshold >= 0.7, PMID: 27666373). To our knowledge, functional studies have not been reported for this variant. This variant has not been reported in individuals affected with cardiovascular disorders in the literature. This variant has been identified in 5/248302 chromosomes in the general population by the Genome Aggregation Database (gnomAD). The available evidence is insufficient to determine the role of this variant in disease conclusively. Therefore, this variant is classified as a Variant of Uncertain Significance.

This study involves interpretation of variants in research participants for the purpose of population health screening. Participant phenotype was not available at the time of variant classification. Additional details can be found in publication PMID: 35346344, PMCID: PMC8962531

Labcorp Genetics (formerly Invitae), Labcorp
Classification: Uncertain significance for Catecholaminergic polymorphic ventricular tachycardia 1. Last evaluated: 2023-08-25. Review status: criteria provided, single submitter. Criteria: Invitae Variant Classification Sherloc (09022015). Collection method: clinical testing. Allele origin: germline.
Comment: In summary, the available evidence is currently insufficient to determine the role of this variant in disease. Therefore, it has been classified as a Variant of Uncertain Significance. Advanced modeling of protein sequence and biophysical properties (such as structural, functional, and spatial information, amino acid conservation, physicochemical variation, residue mobility, and thermodynamic stability) has been performed at Invitae for this missense variant, however the output from this modeling did not meet the statistical confidence thresholds required to predict the impact of this variant on RYR2 protein function. ClinVar contains an entry for this variant (Variation ID: 645499). This variant has not been reported in the literature in individuals affected with RYR2-related conditions. This variant is present in population databases (rs746943081, gnomAD 0.01%). This sequence change replaces arginine, which is basic and polar, with histidine, which is basic and polar, at codon 1614 of the RYR2 protein (p.Arg1614His).